The following is an entry in ClinVar:

NM_005337.5(NCKAP1L):c.2138T>G (p.Leu713Arg)

Gene: NCKAP1L (NCK associated protein 1 like; plus strand). Cytogenetic location: 12q13.2.
Variant type: single nucleotide variant.
Coding change: c.2138T>G on transcript NM_005337.5 (MANE Select); coding-DNA position 2138, T replaced by G.
Protein change: p.Leu713Arg; replaces leucine 713 with arginine.
Molecular consequence: missense variant.
Genome position (GRCh38, 1-based): chr12:54,523,938, T>G. VCF-style: chr12-54523938-T-G. GRCh37 (hg19) VCF-style: chr12-54917722-T-G.
Other names: c.1988T>G, p.Leu663Arg (NM_001184976.2); short protein forms L663R, L713R.
Identifiers: ClinVar variation 2859578 (VCV002859578.3), dbSNP rs2498610967, ClinGen allele CA385140281.

ClinVar aggregate classification (germline): Uncertain significance (1 of 4 stars; one submission).

Submission:

Labcorp Genetics (formerly Invitae), Labcorp
Classification: Uncertain significance. Last evaluated: 2023-12-19. Review status: criteria provided, single submitter. Criteria: Invitae Variant Classification Sherloc (09022015). Collection method: clinical testing. Allele origin: germline.
Comment: This sequence change replaces leucine, which is neutral and non-polar, with arginine, which is basic and polar, at codon 713 of the NCKAP1L protein (p.Leu713Arg). This variant is not present in population databases (gnomAD no frequency). This variant has not been reported in the literature in individuals affected with NCKAP1L-related conditions. An algorithm developed to predict the effect of missense changes on protein structure and function (PolyPhen-2) suggests that this variant is likely to be disruptive. In summary, the available evidence is currently insufficient to determine the role of this variant in disease. Therefore, it has been classified as a Variant of Uncertain Significance.